The following is an entry in ClinVar:

NM_001942.4(DSG1):c.3080T>C (p.Ile1027Thr)

Genes: DSG1 (desmoglein 1; plus strand), DSG1-AS1 (DSG1 antisense RNA 1; minus strand). Cytogenetic location: 18q12.1.
Variant type: single nucleotide variant.
Coding change: c.3080T>C on transcript NM_001942.4 (MANE Select); coding-DNA position 3080, T replaced by C.
Protein change: p.Ile1027Thr; replaces isoleucine 1027 with threonine.
Molecular consequence: missense variant.
Genome position (GRCh38, 1-based): chr18:31,355,276, T>C. VCF-style: chr18-31355276-T-C. GRCh37 (hg19) VCF-style: chr18-28935239-T-C.
Other names: c.3080T>C (NM_001942.2); short protein forms I1027T.
Identifiers: ClinVar variation 1415321 (VCV001415321.9), dbSNP rs149564748, ClinGen allele CA8926516.

ClinVar aggregate classification (germline): Uncertain significance. Review status: criteria provided, multiple submitters, no conflicts (2 of 4 stars). 2 submissions from 2 submitters: Uncertain significance (2). Last evaluated 2025-10-05.

Conditions:
Inborn genetic diseases. Identifiers: MedGen C0950123, MeSH D030342.

Allele frequency attached by ClinVar (database versions not stated): gnomAD 0.00005 and 0.00006; ExAC 0.00007; gnomAD exomes 0.00007 and 0.00008; TOPMed 0.00007; ESP Exome Variant Server 0.00008.
gnomAD v4.1: 119 of 1,613,580 alleles (0.0074%); highest among the groups gnomAD compares: Non-Finnish European, 0.0093%; no homozygotes.

Submissions (2):

Labcorp Genetics (formerly Invitae), Labcorp
Classification: Uncertain significance. Last evaluated: 2025-10-05. Review status: criteria provided, single submitter. Criteria: Invitae Variant Classification Sherloc (09022015). Collection method: clinical testing. Allele origin: germline.
Comment: This sequence change replaces isoleucine, which is neutral and non-polar, with threonine, which is neutral and polar, at codon 1027 of the DSG1 protein (p.Ile1027Thr). This variant is present in population databases (rs149564748, gnomAD 0.01%). This variant has not been reported in the literature in individuals affected with DSG1-related conditions. ClinVar contains an entry for this variant (Variation ID: 1415321). An algorithm developed to predict the effect of missense changes on protein structure and function (PolyPhen-2) suggests that this variant is likely to be tolerated. In summary, the available evidence is currently insufficient to determine the role of this variant in disease. Therefore, it has been classified as a Variant of Uncertain Significance.

Ambry Genetics
Classification: Uncertain significance for Inborn genetic diseases. Last evaluated: 2024-02-14. Review status: criteria provided, single submitter. Criteria: Ambry Variant Classification Scheme 2023. Collection method: clinical testing. Allele origin: germline.